The following is an entry in ClinVar:

ClinVar aggregate classification (germline): Conflicting classifications of pathogenicity. Review status: criteria provided, conflicting classifications (1 of 4 stars). 3 submissions from 3 submitters: Uncertain significance (1); Benign (1); Likely benign (1). Last evaluated 2025-09-05.

Conditions:
Long QT syndrome (LQTS). Identifiers: MedGen C0023976, MeSH D008133, MONDO:0002442. Disease mechanism: loss of function. Inheritance: Various modes of inheritance.
Cardiovascular phenotype. Identifiers: MedGen CN230736.

Allele frequency attached by ClinVar (database versions not stated): ExAC 0.00002; gnomAD exomes 0.00002 and 0.00006; TOPMed 0.00004; gnomAD 0.00006; ESP Exome Variant Server 0.00008.
gnomAD v4.1: 94 of 1,614,106 alleles (0.0058%); highest among the groups gnomAD compares: Non-Finnish European, 0.0078%; no homozygotes.

Submissions (3):

Labcorp Genetics (formerly Invitae), Labcorp
Classification: Benign for Long QT syndrome. Last evaluated: 2025-09-05. Review status: criteria provided, single submitter. Criteria: Invitae Variant Classification Sherloc (09022015). Collection method: clinical testing. Allele origin: germline.

Ambry Genetics
Classification: Likely benign for Cardiovascular phenotype. Last evaluated: 2023-01-17. Review status: criteria provided, single submitter. Criteria: Ambry Variant Classification Scheme 2023. Collection method: clinical testing. Allele origin: germline.

GeneDx
Classification: Uncertain significance. Last evaluated: 2022-04-18. Review status: criteria provided, single submitter. Criteria: GeneDx Variant Classification Process June 2021. Collection method: clinical testing. Allele origin: germline. Affected: yes.
Comment: Has not been previously published as pathogenic or benign to our knowledge; In silico analysis supports that this missense variant does not alter protein structure/function

NM_000890.5(KCNJ5):c.53C>T (p.Thr18Ile)

Gene: KCNJ5 (potassium inwardly rectifying channel subfamily J member 5; plus strand). Cytogenetic location: 11q24.3.
Variant type: single nucleotide variant.
Coding change: c.53C>T on transcript NM_000890.5 (MANE Select); coding-DNA position 53, C replaced by T.
Protein change: p.Thr18Ile; replaces threonine 18 with isoleucine.
Molecular consequence: missense variant.
Genome position (GRCh38, 1-based): chr11:128,911,326, C>T. VCF-style: chr11-128911326-C-T. GRCh37 (hg19) VCF-style: chr11-128781221-C-T.
Other names: c.53C>T, p.Thr18Ile (NM_001354169.2); short protein forms T18I.
Identifiers: ClinVar variation 1008531 (VCV001008531.13), dbSNP rs375669366, ClinGen allele CA6357811.